The following is an entry in ClinVar:

ClinVar aggregate classification (germline): Uncertain significance. Review status: criteria provided, multiple submitters, no conflicts (2 of 4 stars). 2 submissions from 2 submitters: Uncertain significance (2). Last evaluated 2024-06-20.

Conditions:
Inborn genetic diseases. Identifiers: MedGen C0950123, MeSH D030342.
Hemochromatosis type 4 (HFE4). Also called: Ferroportin disease; HEMOCHROMATOSIS DUE TO DEFECT IN FERROPORTIN; HEMOCHROMATOSIS, AUTOSOMAL DOMINANT. Identifiers: Orphanet 139491, Orphanet 647834, Orphanet 648562, MedGen C1853733, MONDO:0011631, OMIM 606069.

Allele frequency attached by ClinVar (database versions not stated): ExAC 0.00001; gnomAD exomes 0.00001 and below 0.00001.
gnomAD v4.1: 7 of 1,614,068 alleles (0.00043%); highest among the groups gnomAD compares: East Asian, 0.0022%; no homozygotes.

Submissions (2):

Labcorp Genetics (formerly Invitae), Labcorp
Classification: Uncertain significance for Hemochromatosis type 4. Last evaluated: 2024-06-20. Review status: criteria provided, single submitter. Criteria: Invitae Variant Classification Sherloc (09022015). Collection method: clinical testing. Allele origin: germline.
Comment: This sequence change replaces arginine, which is basic and polar, with glutamine, which is neutral and polar, at codon 40 of the SLC40A1 protein (p.Arg40Gln). This variant is present in population databases (rs746832217, gnomAD 0.006%). This variant has not been reported in the literature in individuals affected with SLC40A1-related conditions. ClinVar contains an entry for this variant (Variation ID: 1422731). Advanced modeling of protein sequence and biophysical properties (such as structural, functional, and spatial information, amino acid conservation, physicochemical variation, residue mobility, and thermodynamic stability) performed at Invitae indicates that this missense variant is not expected to disrupt SLC40A1 protein function with a negative predictive value of 80%. In summary, the available evidence is currently insufficient to determine the role of this variant in disease. Therefore, it has been classified as a Variant of Uncertain Significance.

Ambry Genetics
Classification: Uncertain significance for Inborn genetic diseases. Last evaluated: 2024-06-17. Review status: criteria provided, single submitter. Criteria: Ambry Variant Classification Scheme 2023. Collection method: clinical testing. Allele origin: germline.

NM_014585.6(SLC40A1):c.119G>A (p.Arg40Gln)

Gene: SLC40A1 (solute carrier family 40 member 1; minus strand). Cytogenetic location: 2q32.2.
Variant type: single nucleotide variant.
Coding change: c.119G>A on transcript NM_014585.6 (MANE Select); coding-DNA position 119, G replaced by A.
Protein change: p.Arg40Gln; replaces arginine 40 with glutamine.
Molecular consequence: missense variant.
Genome position (GRCh38, 1-based): chr2:189,575,313, C>T on the plus strand (G>A on the coding strand, the complement: SLC40A1 is on the minus strand). VCF-style: chr2-189575313-C-T. GRCh37 (hg19) VCF-style: chr2-190440039-C-T.
Other names: c.119G>A (NM_014585.5); short protein forms R40Q.
Identifiers: ClinVar variation 1422731 (VCV001422731.9), dbSNP rs746832217, ClinGen allele CA2024293.